The following is an entry in ClinVar:

ClinVar aggregate classification (germline): Pathogenic/Likely pathogenic. Review status: criteria provided, multiple submitters, no conflicts (2 of 4 stars). 3 submissions from 3 submitters: Pathogenic (2); Likely pathogenic (1). Last evaluated 2025-07-18.

Conditions:
Hereditary cancer-predisposing syndrome. Also called: Hereditary neoplastic syndrome; Tumor predisposition; Hereditary Cancer Syndrome; Neoplastic Syndromes, Hereditary. Identifiers: Orphanet 140162, MedGen C0027672, MeSH D009386, MONDO:0015356.
Bloom syndrome (BLM). Also called: Bloom-Torre-Machacek syndrome. Identifiers: Orphanet 125, MedGen C0005859, MONDO:0008876, OMIM 210900.

Allele frequency attached by ClinVar (database versions not stated): gnomAD 0.00001; TOPMed 0.00001.
gnomAD v4.1: 1 of 1,611,484 alleles (0.000062%); highest among the groups gnomAD compares: African/African-American, 0.0013%; no homozygotes.

Submissions (3):

Otogenetics
Classification: Likely pathogenic for Bloom syndrome. Last evaluated: 2025-07-18. Review status: criteria provided, single submitter. Criteria: ACMG Guidelines, 2015. Collection method: clinical testing. Allele origin: germline. Affected: no.
Comment: PVS1: Null variant introduces a premature stop codon in a gene with loss of function as mechanism of disease, predicted to undergo NMD; PM2: Variant not observed in gnomAD (<0.05% threshold)

Labcorp Genetics (formerly Invitae), Labcorp
Classification: Pathogenic for Bloom syndrome. Last evaluated: 2023-07-16. Review status: criteria provided, single submitter. Criteria: Invitae Variant Classification Sherloc (09022015). Collection method: clinical testing. Allele origin: germline.
Comment: This variant is not present in population databases (gnomAD no frequency). For these reasons, this variant has been classified as Pathogenic. ClinVar contains an entry for this variant (Variation ID: 1069727). This variant has not been reported in the literature in individuals affected with BLM-related conditions. This sequence change creates a premature translational stop signal (p.Ser1094*) in the BLM gene. It is expected to result in an absent or disrupted protein product. Loss-of-function variants in BLM are known to be pathogenic (PMID: 17407155).

Ambry Genetics
Classification: Pathogenic for Hereditary cancer-predisposing syndrome. Last evaluated: 2022-01-12. Review status: criteria provided, single submitter. Criteria: Ambry Variant Classification Scheme 2023. Collection method: clinical testing. Allele origin: germline.
Comment: The p.S1094* pathogenic mutation (also known as c.3281C>A), located in coding exon 16 of the BLM gene, results from a C to A substitution at nucleotide position 3281. This changes the amino acid from a serine to a stop codon within coding exon 16. This variant is considered to be rare based on population cohorts in the Genome Aggregation Database (gnomAD). This alteration is expected to result in loss of function by premature protein truncation or nonsense-mediated mRNA decay. As such, this alteration is interpreted as a disease-causing mutation.

Literature cited by the submitters: PubMed 17407155 (cited by Labcorp Genetics (formerly Invitae), Labcorp).

NM_000057.4(BLM):c.3281C>A (p.Ser1094Ter)

Gene: BLM (BLM RecQ like helicase; plus strand). Cytogenetic location: 15q26.1.
Variant type: single nucleotide variant.
Coding change: c.3281C>A on transcript NM_000057.4 (MANE Select); coding-DNA position 3281, C replaced by A.
Protein change: p.Ser1094Ter; replaces serine 1094 with a stop codon.
Molecular consequence: nonsense.
Genome position (GRCh38, 1-based): chr15:90,798,260, C>A. VCF-style: chr15-90798260-C-A. GRCh37 (hg19) VCF-style: chr15-91341490-C-A.
Other names: c.3281C>A, p.Ser1094Ter (NM_001287246.2, NM_001287247.2); c.2156C>A, p.Ser719Ter (NM_001287248.2); short protein forms S1094*, S719*.
Identifiers: ClinVar variation 1069727 (VCV001069727.10), dbSNP rs1472603091, ClinGen allele CA393847250.